The following is an entry in ClinVar:

NM_021076.4(NEFH):c.136G>C (p.Gly46Arg)

Gene: NEFH (neurofilament heavy chain; plus strand). Cytogenetic location: 22q12.2.
Variant type: single nucleotide variant.
Coding change: c.136G>C on transcript NM_021076.4 (MANE Select); coding-DNA position 136, G replaced by C.
Protein change: p.Gly46Arg; replaces glycine 46 with arginine.
Molecular consequence: missense variant.
Genome position (GRCh38, 1-based): chr22:29,480,398, G>C. VCF-style: chr22-29480398-G-C. GRCh37 (hg19) VCF-style: chr22-29876387-G-C.
Other names: c.136G>C (NM_021076.3); short protein forms G46R.
Identifiers: ClinVar variation 1485671 (VCV001485671.24), dbSNP rs757318200, ClinGen allele CA323082783.

ClinVar aggregate classification (germline): Conflicting classifications of pathogenicity. Review status: criteria provided, conflicting classifications (1 of 4 stars). 3 submissions from 3 submitters: Uncertain significance (2); Likely benign (1). Last evaluated 2026-06-01.

Conditions:
Inborn genetic diseases. Identifiers: MedGen C0950123, MeSH D030342.

Allele frequency attached by ClinVar (database versions not stated): gnomAD 0.00001 and 0.00003.

Submissions (3):

CeGaT Center for Human Genetics Tuebingen
Classification: Likely benign. Last evaluated: 2026-06-01. Review status: criteria provided, single submitter. Criteria: CeGaT Center For Human Genetics Tuebingen Variant Classification Criteria Version 2. Collection method: clinical testing. Allele origin: germline. Affected: yes. Observed: 2 variant alleles.
Comment: NEFH: BS2

Ambry Genetics
Classification: Uncertain significance for Inborn genetic diseases. Last evaluated: 2025-11-20. Review status: criteria provided, single submitter. Criteria: Ambry Variant Classification Scheme 2023. Collection method: clinical testing. Allele origin: germline.

Labcorp Genetics (formerly Invitae), Labcorp
Classification: Uncertain significance. Last evaluated: 2025-08-25. Review status: criteria provided, single submitter. Criteria: Invitae Variant Classification Sherloc (09022015). Collection method: clinical testing. Allele origin: germline.
Comment: This sequence change replaces glycine, which is neutral and non-polar, with arginine, which is basic and polar, at codon 46 of the NEFH protein (p.Gly46Arg). This variant is present in population databases (no rsID available, gnomAD 0.007%). This variant has not been reported in the literature in individuals affected with NEFH-related conditions. ClinVar contains an entry for this variant (Variation ID: 1485671). Invitae Evidence Modeling of protein sequence and biophysical properties (such as structural, functional, and spatial information, amino acid conservation, physicochemical variation, residue mobility, and thermodynamic stability) indicates that this missense variant is not expected to disrupt NEFH protein function with a negative predictive value of 95%. In summary, the available evidence is currently insufficient to determine the role of this variant in disease. Therefore, it has been classified as a Variant of Uncertain Significance.